The following is an entry in ClinVar:

NM_002496.4(NDUFS8):c.111G>C (p.Lys37Asn)

Gene: NDUFS8 (NADH:ubiquinone oxidoreductase core subunit S8; plus strand). Cytogenetic location: 11q13.2.
Variant type: single nucleotide variant.
Coding change: c.111G>C on transcript NM_002496.4 (MANE Select); coding-DNA position 111, G replaced by C.
Protein change: p.Lys37Asn; replaces lysine 37 with asparagine.
Molecular consequence: missense variant.
Genome position (GRCh38, 1-based): chr11:68,032,924, G>C. VCF-style: chr11-68032924-G-C. GRCh37 (hg19) VCF-style: chr11-67800391-G-C.
Other names: short protein forms K37N.
Identifiers: ClinVar variation 3777622 (VCV003777622.1).

ClinVar aggregate classification (germline): Uncertain significance (1 of 4 stars; one submission).

Submission:

GeneDx
Classification: Uncertain significance. Last evaluated: 2024-10-10. Review status: criteria provided, single submitter. Criteria: GeneDx Variant Classification Process June 2021. Collection method: clinical testing. Allele origin: germline. Affected: yes.
Comment: Not observed at significant frequency in large population cohorts (gnomAD); In silico analysis indicates that this missense variant does not alter protein structure/function; Has not been previously published as pathogenic or benign to our knowledge